The following is an entry in ClinVar:

NM_000138.5(FBN1):c.3346G>A (p.Glu1116Lys)

Gene: FBN1 (fibrillin 1; minus strand). Cytogenetic location: 15q21.1.
Variant type: single nucleotide variant.
Coding change: c.3346G>A on transcript NM_000138.5 (MANE Select); coding-DNA position 3346, G replaced by A.
Protein change: p.Glu1116Lys; replaces glutamic acid 1116 with lysine.
Molecular consequence: missense variant.
Genome position (GRCh38, 1-based): chr15:48,487,429, C>T on the plus strand (G>A on the coding strand, the complement: FBN1 is on the minus strand). VCF-style: chr15-48487429-C-T. GRCh37 (hg19) VCF-style: chr15-48779626-C-T.
Other names: short protein forms E1116K.
Identifiers: ClinVar variation 549159 (VCV000549159.4), dbSNP rs1555398582, ClinGen allele CA392326788.

ClinVar aggregate classification (germline): Likely pathogenic. Review status: criteria provided, multiple submitters, no conflicts (2 of 4 stars). 3 submissions from 3 submitters: Likely pathogenic (2). 1 of the submissions does not count toward it. Last evaluated 2025-09-10.

Conditions:
Marfan syndrome (MFS). Also called: Marfan syndrome type 1; Marfan syndrome, classic; Marfan's syndrome; FBN1-Related Marfan Syndrome; MARFAN SYNDROME, TYPE I. Identifiers: Orphanet 284963, Orphanet 558, MedGen C0024796, MONDO:0007947, OMIM 154700.
FBN1-related disorder. Also called: FBN1-related disorders.

Submissions (3):

Dasa
Classification: Likely pathogenic. Last evaluated: 2025-09-10. Review status: criteria provided, single submitter. Criteria: DASA Assertion Criteria. Collection method: clinical testing. Allele origin: germline.
Comment: NM_000138.5(FBN1):c.3346G>A (p.Glu1116Lys) is a missense variant that results in the substitution of glutamic acid with lysine. This variant has been reported in individuals with FBN1-related disorders. De novo occurrence has been reported in an individual with FBN1-related disorders. Also, this variant is absent from population databases. Computational evidence supports a deleterious effect. Based on the currently available evidence, this variant is classified as likely pathogenic.

Blueprint Genetics
Classification: Likely pathogenic for FBN1-related disorders. Last evaluated: 2020-03-11. Review status: criteria provided, single submitter. Criteria: ACMG Guidelines, 2015. Collection method: clinical testing. Allele origin: germline. Affected: yes. Observed: 1 variant allele.

Center for Medical Genetics Ghent, University of Ghent
Classification: Likely pathogenic for Marfan syndrome. Last evaluated: 2017-11-07. Review status: no assertion criteria provided. Collection method: clinical testing. Allele origin: de novo. Affected: yes. Not counted in ClinVar's aggregate classification.